The following is an entry in ClinVar:

ClinVar aggregate classification (germline): Uncertain significance. Review status: criteria provided, multiple submitters, no conflicts (2 of 4 stars). 3 submissions from 3 submitters: Uncertain significance (3). Last evaluated 2024-09-12.

Conditions:
Cardiovascular phenotype. Identifiers: MedGen CN230736.
Hereditary cancer-predisposing syndrome. Also called: Tumor predisposition; Hereditary neoplastic syndrome; Neoplastic Syndromes, Hereditary; Hereditary Cancer Syndrome. Identifiers: Orphanet 140162, MedGen C0027672, MeSH D009386, MONDO:0015356.

Submissions (3):

Ambry Genetics
Classification: Uncertain significance for Cardiovascular phenotype; Hereditary cancer-predisposing syndrome. Last evaluated: 2024-09-12. Review status: criteria provided, single submitter. Criteria: Ambry Variant Classification Scheme 2023. Collection method: clinical testing. Allele origin: germline.
Comment: The c.1353+4_1353+5dupGG intronic variant, results from a duplication of 4 nucleotides at nucleotide position 1353 after intron 12 of the LZTR1 gene. This nucleotide region is not well conserved in available vertebrate species. In silico splice site analysis predicts that this alteration may weaken the native splice donor site. Based on the available evidence, the clinical significance of this variant remains unclear.

Labcorp Genetics (formerly Invitae), Labcorp
Classification: Uncertain significance. Last evaluated: 2024-05-26. Review status: criteria provided, single submitter. Criteria: Invitae Variant Classification Sherloc (09022015). Collection method: clinical testing. Allele origin: germline.
Comment: This sequence change falls in intron 12 of the LZTR1 gene. It does not directly change the encoded amino acid sequence of the LZTR1 protein. It affects a nucleotide within the consensus splice site. This variant is not present in population databases (gnomAD no frequency). This variant has not been reported in the literature in individuals affected with LZTR1-related conditions. ClinVar contains an entry for this variant (Variation ID: 1358688). Variants that disrupt the consensus splice site are a relatively common cause of aberrant splicing (PMID: 17576681, 9536098). Algorithms developed to predict the effect of sequence changes on RNA splicing suggest that this variant may disrupt the consensus splice site. In summary, the available evidence is currently insufficient to determine the role of this variant in disease. Therefore, it has been classified as a Variant of Uncertain Significance.

GeneDx
Classification: Uncertain significance. Last evaluated: 2024-03-15. Review status: criteria provided, single submitter. Criteria: GeneDx Variant Classification Process June 2021. Collection method: clinical testing. Allele origin: germline. Affected: yes.
Comment: Not observed at significant frequency in large population cohorts (gnomAD); Has not been previously published as pathogenic or benign to our knowledge; In silico analysis is inconclusive as to whether the variant alters gene splicing. In the absence of RNA/functional studies, the actual effect of this sequence change is unknown.

Literature cited by the submitters: PubMed 17576681 (cited by Labcorp Genetics (formerly Invitae), Labcorp); PubMed 9536098 (cited by Labcorp Genetics (formerly Invitae), Labcorp).

NM_006767.4(LZTR1):c.1353+4_1353+5dup

Gene: LZTR1 (leucine zipper like post translational regulator 1; plus strand). Cytogenetic location: 22q11.21.
Variant type: Duplication.
Coding change: c.1353+4_1353+5dup on transcript NM_006767.4 (MANE Select); bases 4 to 5 of the intron after coding-DNA position 1353, 2 bases duplicated (GG; older notation c.1353+4_1353+5dupGG).
Molecular consequence: intron variant.
Genome position (GRCh38, 1-based): chr22:20,993,758-20,993,759, GG duplicated; duplicating any 2 consecutive bases within chr22:20,993,757-20,993,759 gives the same sequence; the c. name uses the placement nearest the transcript's 3' end. VCF-style (leftmost placement, unchanged base first): chr22-20993756-T-TGG. GRCh37 (hg19) VCF-style: chr22-21348045-T-TGG.
Other names: c.1353+4_1353+5dupGG (NM_006767.3).
Identifiers: ClinVar variation 1358688 (VCV001358688.8), dbSNP rs2147966798, ClinGen allele CA2573157818.